The following is an entry in ClinVar:

ClinVar aggregate classification (germline): Uncertain significance (1 of 4 stars; one submission).

gnomAD v4.1: 8 of 1,613,460 alleles (0.0005%); highest among the groups gnomAD compares: African/African-American, 0.008%; no homozygotes.

Submission:

Labcorp Genetics (formerly Invitae), Labcorp
Classification: Uncertain significance. Last evaluated: 2025-06-12. Review status: criteria provided, single submitter. Criteria: Invitae Variant Classification Sherloc (09022015). Collection method: clinical testing. Allele origin: germline.
Comment: This sequence change falls in intron 3 of the DLL4 gene. It does not directly change the encoded amino acid sequence of the DLL4 protein. It affects a nucleotide within the consensus splice site. This variant is present in population databases (no rsID available, gnomAD 0.01%). This variant has not been reported in the literature in individuals affected with DLL4-related conditions. Variants that disrupt the consensus splice site are a relatively common cause of aberrant splicing (PMID: 17576681, 9536098). Algorithms developed to predict the effect of sequence changes on RNA splicing suggest that this variant is not likely to affect RNA splicing. In summary, the available evidence is currently insufficient to determine the role of this variant in disease. Therefore, it has been classified as a Variant of Uncertain Significance.

Literature cited by the submitters: PubMed 17576681; PubMed 9536098.

NM_019074.4(DLL4):c.394+3G>A

Gene: DLL4 (delta like canonical Notch ligand 4; plus strand). Cytogenetic location: 15q15.1.
Variant type: single nucleotide variant.
Coding change: c.394+3G>A on transcript NM_019074.4 (MANE Select); 3 bases into the intron after coding-DNA position 394, G replaced by A.
Molecular consequence: intron variant.
Genome position (GRCh38, 1-based): chr15:40,930,685, G>A. VCF-style: chr15-40930685-G-A. GRCh37 (hg19) VCF-style: chr15-41222883-G-A.
Identifiers: ClinVar variation 4693347 (VCV004693347.1).